The following is an entry in ClinVar:

ClinVar aggregate classification (germline): Uncertain significance (1 of 4 stars; one submission).

gnomAD v4.1: 1 of 1,580,502 alleles (0.000063%); highest among the groups gnomAD compares: Non-Finnish European, 0.000086%; no homozygotes.

Submission:

Labcorp Genetics (formerly Invitae), Labcorp
Classification: Uncertain significance. Last evaluated: 2025-04-29. Review status: criteria provided, single submitter. Criteria: Invitae Variant Classification Sherloc (09022015). Collection method: clinical testing. Allele origin: germline.
Comment: This sequence change replaces glycine, which is neutral and non-polar, with cysteine, which is neutral and slightly polar, at codon 16 of the MYH7B protein (p.Gly16Cys). This variant is not present in population databases (gnomAD no frequency). This variant has not been reported in the literature in individuals affected with MYH7B-related conditions. An algorithm developed to predict the effect of missense changes on protein structure and function outputs the following: PolyPhen-2: "Probably Damaging". The cysteine amino acid residue is found in multiple mammalian species, which suggests that this missense change does not adversely affect protein function. In summary, the available evidence is currently insufficient to determine the role of this variant in disease. Therefore, it has been classified as a Variant of Uncertain Significance.

NM_020884.7(MYH7B):c.-81G>T

Gene: MYH7B (myosin heavy chain 7B; plus strand). Cytogenetic location: 20q11.22.
Variant type: single nucleotide variant.
Coding change: c.-81G>T on transcript NM_020884.7 (MANE Select); 81 bases upstream of the start codon, G replaced by T.
Molecular consequence: 5 prime UTR variant.
Genome position (GRCh38, 1-based): chr20:34,977,672, G>T. VCF-style: chr20-34977672-G-T. GRCh37 (hg19) VCF-style: chr20-33565475-G-T.
Identifiers: ClinVar variation 4768056 (VCV004768056.1).